The following is an entry in ClinVar:

ClinVar aggregate classification (germline): Uncertain significance (1 of 4 stars; one submission).

Allele frequency attached by ClinVar (database versions not stated): TOPMed below 0.00001; gnomAD exomes 0.00001.

Submission:

Labcorp Genetics (formerly Invitae), Labcorp
Classification: Uncertain significance. Last evaluated: 2020-03-07. Review status: criteria provided, single submitter. Criteria: Invitae Variant Classification Sherloc (09022015). Collection method: clinical testing. Allele origin: germline.
Comment: This sequence change replaces arginine with tryptophan at codon 34 of the ATOH7 protein (p.Arg34Trp). The arginine residue is highly conserved and there is a moderate physicochemical difference between arginine and tryptophan. The frequency data for this variant in the population databases is considered unreliable, as metrics indicate insufficient coverage at this position in the ExAC database. This variant has not been reported in the literature in individuals with ATOH7-related conditions. Algorithms developed to predict the effect of missense changes on protein structure and function (SIFT, PolyPhen-2, Align-GVGD) all suggest that this variant is likely to be disruptive, but these predictions have not been confirmed by published functional studies and their clinical significance is uncertain. In summary, the available evidence is currently insufficient to determine the role of this variant in disease. Therefore, it has been classified as a Variant of Uncertain Significance.

NM_145178.4(ATOH7):c.100C>T (p.Arg34Trp)

Gene: ATOH7 (atonal bHLH transcription factor 7; minus strand). Cytogenetic location: 10q21.3.
Variant type: single nucleotide variant.
Coding change: c.100C>T on transcript NM_145178.4 (MANE Select); coding-DNA position 100, C replaced by T.
Protein change: p.Arg34Trp; replaces arginine 34 with tryptophan.
Molecular consequence: missense variant.
Genome position (GRCh38, 1-based): chr10:68,231,578, G>A on the plus strand (C>T on the coding strand, the complement: ATOH7 is on the minus strand). VCF-style: chr10-68231578-G-A. GRCh37 (hg19) VCF-style: chr10-69991335-G-A.
Other names: short protein forms R34W.
Identifiers: ClinVar variation 934423 (VCV000934423.9), dbSNP rs2044027846, ClinGen allele CA376837449.